The following is an entry in ClinVar:

ClinVar aggregate classification (germline): Pathogenic/Likely pathogenic. Review status: criteria provided, multiple submitters, no conflicts (2 of 4 stars). 2 submissions from 2 submitters: Pathogenic (1); Likely pathogenic (1). Last evaluated 2026-01-11.

Conditions:
Osteogenesis imperfecta type 7 (OI7). Also called: OSTEOGENESIS IMPERFECTA, TYPE IIB; Osteogenesis imperfecta type 2B; OI type 2B; Osteogenesis imperfecta, perinatal lethal autosomal recessive; OI type IIB; OI type 7. Identifiers: MedGen C1853162, MONDO:0012536, OMIM 610682.

Allele frequency attached by ClinVar (database versions not stated): TOPMed below 0.00001; ExAC 0.00001.
gnomAD v4.1: 6 of 1,614,152 alleles (0.00037%); highest among the groups gnomAD compares: Non-Finnish European, 0.00034%; no homozygotes.

Submissions (2):

Labcorp Genetics (formerly Invitae), Labcorp
Classification: Pathogenic for Osteogenesis imperfecta type 7. Last evaluated: 2026-01-11. Review status: criteria provided, single submitter. Criteria: Invitae Variant Classification Sherloc (09022015). Collection method: clinical testing. Allele origin: germline.
Comment: This sequence change creates a premature translational stop signal (p.Tyr340*) in the CRTAP gene. It is expected to result in an absent or disrupted protein product. Loss-of-function variants in CRTAP are known to be pathogenic (PMID: 17055431, 19862557, 24715559). This variant is present in population databases (rs768954904, gnomAD 0.0009%). This variant has not been reported in the literature in individuals affected with CRTAP-related conditions. ClinVar contains an entry for this variant (Variation ID: 2980850). For these reasons, this variant has been classified as Pathogenic.

Laboratorio de Genetica e Diagnostico Molecular, Hospital Israelita Albert Einstein
Classification: Likely pathogenic for Osteogenesis imperfecta type 7. Last evaluated: 2025-01-27. Review status: criteria provided, single submitter. Criteria: ACMG Guidelines, 2015. Collection method: clinical testing. Allele origin: germline. Affected: yes.
Comment: ACMG classification criteria: PVS1 very strong, PM2 supporting

Literature cited by the submitters: PubMed 17055431 (cited by Labcorp Genetics (formerly Invitae), Labcorp); PubMed 19862557 (cited by Labcorp Genetics (formerly Invitae), Labcorp); PubMed 24715559 (cited by Labcorp Genetics (formerly Invitae), Labcorp).

NM_006371.5(CRTAP):c.1020C>G (p.Tyr340Ter)

Gene: CRTAP (cartilage associated protein; plus strand). Cytogenetic location: 3p22.3.
Variant type: single nucleotide variant.
Coding change: c.1020C>G on transcript NM_006371.5 (MANE Select); coding-DNA position 1020, C replaced by G.
Protein change: p.Tyr340Ter; replaces tyrosine 340 with a stop codon.
Molecular consequence: nonsense.
Genome position (GRCh38, 1-based): chr3:33,132,652, C>G. VCF-style: chr3-33132652-C-G. GRCh37 (hg19) VCF-style: chr3-33174144-C-G.
Other names: c.1020C>G, p.Tyr340Ter (NM_001393363.1); c.891C>G, p.Tyr297Ter (NM_001393364.1); c.870C>G, p.Tyr290Ter (NM_001393365.1); short protein forms Y290*, Y297*, Y340*.
Identifiers: ClinVar variation 2980850 (VCV002980850.5), dbSNP rs768954904, ClinGen allele CA2300468.